The following is an entry in ClinVar:

ClinVar aggregate classification (germline): Uncertain significance (1 of 4 stars; one submission).

Allele frequency attached by ClinVar (database versions not stated): gnomAD exomes below 0.00001.
gnomAD v4.1: 1 of 1,614,234 alleles (0.000062%); highest among the groups gnomAD compares: Admixed American, 0.0017%; no homozygotes.

Submission:

Ambry Genetics
Classification: Uncertain significance. Last evaluated: 2022-04-19. Review status: criteria provided, single submitter. Criteria: Ambry Variant Classification Scheme 2023. Collection method: clinical testing. Allele origin: germline.
Comment: The p.L120P variant (also known as c.359T>C), located in coding exon 5 of the RAD54L gene, results from a T to C substitution at nucleotide position 359. The leucine at codon 120 is replaced by proline, an amino acid with similar properties. This amino acid position is conserved. In addition, this alteration is predicted to be deleterious by in silico analysis. Since supporting evidence is limited at this time, the clinical significance of this alteration remains unclear.

NM_003579.4(RAD54L):c.359T>C (p.Leu120Pro)

Gene: RAD54L (RAD54 like; plus strand). Cytogenetic location: 1p34.1.
Variant type: single nucleotide variant.
Coding change: c.359T>C on transcript NM_003579.4 (MANE Select); coding-DNA position 359, T replaced by C.
Protein change: p.Leu120Pro; replaces leucine 120 with proline.
Molecular consequence: missense variant. On other transcripts: 5 prime UTR variant (1).
Genome position (GRCh38, 1-based): chr1:46,260,051, T>C. VCF-style: chr1-46260051-T-C. GRCh37 (hg19) VCF-style: chr1-46725723-T-C.
Other names: c.359T>C, p.Leu120Pro (NM_001142548.2); c.-182T>C (NM_001370766.1); short protein forms L120P.
Identifiers: ClinVar variation 1733055 (VCV001733055.2), dbSNP rs1210724853, ClinGen allele CA340182448.